The following is an entry in ClinVar:

NM_021098.3(CACNA1H):c.2264G>A (p.Gly755Asp)

Gene: CACNA1H (calcium voltage-gated channel subunit alpha1 H; plus strand). Cytogenetic location: 16p13.3.
Variant type: single nucleotide variant.
Coding change: c.2264G>A on transcript NM_021098.3 (MANE Select); coding-DNA position 2264, G replaced by A.
Protein change: p.Gly755Asp; replaces glycine 755 with aspartic acid.
Molecular consequence: missense variant.
Genome position (GRCh38, 1-based): chr16:1,204,271, G>A. VCF-style: chr16-1204271-G-A. GRCh37 (hg19) VCF-style: chr16-1254271-G-A.
Other names: c.2264G>A, p.Gly755Asp (NM_001005407.2); short protein forms G755D.
Identifiers: ClinVar variation 529573 (VCV000529573.19), dbSNP rs142306293, ClinGen allele CA7800182.

ClinVar aggregate classification (germline): Conflicting classifications of pathogenicity. Review status: criteria provided, conflicting classifications (1 of 4 stars). 6 submissions from 6 submitters: Uncertain significance (4); Likely benign (2). Last evaluated 2025-12-15.

Conditions:
Epilepsy, childhood absence, susceptibility to, 6. Identifiers: Orphanet 64280, MedGen C2749872, MONDO:0012763, OMIM 611942.
Hyperaldosteronism, familial, type IV (HALD4). Also called: FH IV; ALDOSTERONISM, PRIMARY, AND HYPERTENSION. Identifiers: Orphanet 642671, MedGen C4310756, MONDO:0014875, OMIM 617027.
Idiopathic generalized epilepsy. Also called: Generalised epilepsy; EIG. Identifiers: MedGen C0270850, MONDO:0005579, OMIM 600669.

Allele frequency attached by ClinVar (database versions not stated): 1000 Genomes Project 30x 0.00016; 1000 Genomes Project 0.00020; gnomAD exomes 0.00025 and 0.00028; ExAC 0.00029; gnomAD 0.00030 and 0.00032; TOPMed 0.00036.
gnomAD v4.1: 451 of 1,608,392 alleles (0.028%); highest among the groups gnomAD compares: Non-Finnish European, 0.035%; no homozygotes.

Submissions (6):

Labcorp Genetics (formerly Invitae), Labcorp
Classification: Likely benign for Idiopathic generalized epilepsy; Hyperaldosteronism, familial, type IV. Last evaluated: 2025-12-15. Review status: criteria provided, single submitter. Criteria: Invitae Variant Classification Sherloc (09022015). Collection method: clinical testing. Allele origin: germline.

GeneDx
Classification: Uncertain significance. Last evaluated: 2025-05-21. Review status: criteria provided, single submitter. Criteria: GeneDx Variant Classification Process June 2021. Collection method: clinical testing. Allele origin: germline. Affected: yes.
Comment: Observed in patients with epilepsy in published literature; of note patients were also found to harbor other variants that may explain the phenotype (PMID: 15048902, 34872132); In silico analysis suggests that this missense variant does not alter protein structure/function; This variant is associated with the following publications: (PMID: 15852375, 15048902, 32227660, 34355371, 34872132, 31217264)

Women's Health and Genetics/Laboratory Corporation of America, LabCorp
Classification: Uncertain significance. Last evaluated: 2024-09-10. Review status: criteria provided, single submitter. Criteria: LabCorp Variant Classification Summary - May 2015. Collection method: clinical testing. Allele origin: germline.
Comment: Variant summary: CACNA1H c.2264G>A (p.Gly755Asp) results in a non-conservative amino acid change in the encoded protein sequence. Three of five in-silico tools predict a benign effect of the variant on protein function. The variant allele was found at a frequency of 0.00025 in 234368 control chromosomes. This frequency is not significantly higher than estimated for a pathogenic variant in CACNA1H causing Idiopathic Generalized Epilepsy, allowing no conclusion about variant significance. c.2264G>A has been reported in the literature in individual(s) affected with Idiopathic Generalized Epilepsy without association with a specific epilepsy phenotype (Heron_2004). These report(s) do not provide unequivocal conclusions about association of the variant with Idiopathic Generalized Epilepsy. At least one publication reports experimental evidence evaluating an impact on protein function (Khosravani_2005). These results showed no damaging effect of this variant. The following publications have been ascertained in the context of this evaluation (PMID: 15048902, 15852375). ClinVar contains an entry for this variant (Variation ID: 529573). Based on the evidence outlined above, the variant was classified as uncertain significance.

Blueprint Genetics
Classification: Likely benign. Last evaluated: 2024-08-20. Review status: criteria provided, single submitter. Criteria: ACMG Guidelines, 2015. Collection method: clinical testing. Allele origin: germline.

Fulgent Genetics
Classification: Uncertain significance for Epilepsy, childhood absence, susceptibility to, 6; Hyperaldosteronism, familial, type IV. Last evaluated: 2024-04-10. Review status: criteria provided, single submitter. Criteria: ACMG Guidelines, 2015. Collection method: clinical testing. Allele origin: germline.

Athena Diagnostics
Classification: Uncertain significance. Last evaluated: 2018-08-31. Review status: criteria provided, single submitter. Criteria: Athena Diagnostics Criteria. Collection method: clinical testing. Allele origin: germline.

Literature cited by the submitters: PubMed 32227660 (cited by Women's Health and Genetics/Laboratory Corporation of America, LabCorp); PubMed 15048902 (cited by Women's Health and Genetics/Laboratory Corporation of America, LabCorp and Athena Diagnostics); PubMed 15852375 (cited by Women's Health and Genetics/Laboratory Corporation of America, LabCorp and Athena Diagnostics).